The following is an entry in ClinVar:

NM_001042492.3(NF1):c.2231T>C (p.Val744Ala)

Gene: NF1 (neurofibromin 1; plus strand). Cytogenetic location: 17q11.2.
Variant type: single nucleotide variant.
Coding change: c.2231T>C on transcript NM_001042492.3 (MANE Select); coding-DNA position 2231, T replaced by C.
Protein change: p.Val744Ala; replaces valine 744 with alanine.
Molecular consequence: missense variant.
Genome position (GRCh38, 1-based): chr17:31,226,664, T>C. VCF-style: chr17-31226664-T-C. GRCh37 (hg19) VCF-style: chr17-29553682-T-C.
Other names: c.2231T>C, p.Val744Ala (NM_000267.4); short protein forms V744A.
Identifiers: ClinVar variation 4860948 (VCV004860948.1).

ClinVar aggregate classification (germline): Uncertain significance (1 of 4 stars; one submission).

Conditions:
Cardiovascular phenotype. Identifiers: MedGen CN230736.
Hereditary cancer-predisposing syndrome. Also called: Neoplastic Syndromes, Hereditary; Tumor predisposition; Hereditary Cancer Syndrome; Hereditary neoplastic syndrome. Identifiers: Orphanet 140162, MedGen C0027672, MeSH D009386, MONDO:0015356.

gnomAD v4.1: 1 of 1,613,848 alleles (0.000062%); highest among the groups gnomAD compares: Non-Finnish European, 0.000085%; no homozygotes.

Submission:

Ambry Genetics
Classification: Uncertain significance for Cardiovascular phenotype; Hereditary cancer-predisposing syndrome. Last evaluated: 2026-04-29. Review status: criteria provided, single submitter. Criteria: Ambry Variant Classification Scheme 2023. Collection method: clinical testing. Allele origin: germline.
Comment: The p.V744A variant (also known as c.2231T>C), located in coding exon 18 of the NF1 gene, results from a T to C substitution at nucleotide position 2231. The valine at codon 744 is replaced by alanine, an amino acid with similar properties. This amino acid position is highly conserved in available vertebrate species. In addition, the in silico prediction for this alteration is inconclusive. Based on the available evidence, the clinical significance of this variant remains unclear.